The following is an entry in ClinVar:

NM_000138.5(FBN1):c.1074C>G (p.Cys358Trp)

Genes: FBN1 (fibrillin 1; minus strand), LOC113939944 (Sharpr-MPRA regulatory region 9539; plus strand). Cytogenetic location: 15q21.1.
Variant type: single nucleotide variant.
Coding change: c.1074C>G on transcript NM_000138.5 (MANE Select); coding-DNA position 1074, C replaced by G.
Protein change: p.Cys358Trp; replaces cysteine 358 with tryptophan.
Molecular consequence: missense variant.
Genome position (GRCh38, 1-based): chr15:48,520,732, G>C on the plus strand (C>G on the coding strand, the complement: FBN1 is on the minus strand). VCF-style: chr15-48520732-G-C. GRCh37 (hg19) VCF-style: chr15-48812929-G-C.
Other names: c.1074C>G, p.Cys358Trp (NM_001406716.1); short protein forms C358W.
Identifiers: ClinVar variation 1784344 (VCV001784344.2), dbSNP rs1555400605, ClinGen allele CA392347564.

ClinVar aggregate classification (germline): Likely pathogenic (1 of 4 stars; one submission).

Conditions:
Familial thoracic aortic aneurysm and aortic dissection (TAAD). Also called: Thoracic aortic aneurysms and dissections. Identifiers: Orphanet 91387, MedGen C4707243, MONDO:0019625.

Submission:

Ambry Genetics
Classification: Likely pathogenic for Familial thoracic aortic aneurysm and aortic dissection. Last evaluated: 2018-10-11. Review status: criteria provided, single submitter. Criteria: Ambry Variant Classification Scheme 2023. Collection method: clinical testing. Allele origin: germline.
Comment: The p.C358W variant (also known as c.1074C>G), located in coding exon 9 of the FBN1 gene, results from a C to G substitution at nucleotide position 1074. The cysteine at codon 358 is replaced by tryptophan, an amino acid with highly dissimilar properties, and is located in the TGFBP#01 domain. The majority of FBN1 mutations identified to date have involved the substitution or generation of cysteine residues within cbEGF domains (Vollbrandt T et al. J Biol Chem. 2004;279(31):32924-32931). Based on internal structural assessment, this alteration disrupts a critical stabilizing disulfide linkage in TGFBP domain 1 (Yuan X et al. EMBO J., 1997 Nov;16:6659-66). This amino acid position is highly conserved in available vertebrate species. In addition, this alteration is predicted to be deleterious by in silico analysis. Based on the majority of available evidence to date, this variant is likely to be pathogenic.

Literature cited by the submitters: PubMed 9362480.